The following is an entry in ClinVar:

NM_138576.4(BCL11B):c.1236G>A (p.Met412Ile)

Gene: BCL11B (BCL11 transcription factor B; minus strand). Cytogenetic location: 14q32.2.
Variant type: single nucleotide variant.
Coding change: c.1236G>A on transcript NM_138576.4 (MANE Select); coding-DNA position 1236, G replaced by A.
Protein change: p.Met412Ile; replaces methionine 412 with isoleucine.
Molecular consequence: missense variant.
Genome position (GRCh38, 1-based): chr14:99,175,600, C>T on the plus strand (G>A on the coding strand, the complement: BCL11B is on the minus strand). VCF-style: chr14-99175600-C-T. GRCh37 (hg19) VCF-style: chr14-99641937-C-T.
Other names: c.1233G>A, p.Met411Ile (NM_001282237.2); c.1020G>A, p.Met340Ile (NM_001282238.2); c.1023G>A, p.Met341Ile (NM_022898.3); short protein forms M411I, M340I, M341I, M412I.
Identifiers: ClinVar variation 2888548 (VCV002888548.3), dbSNP rs767763874, ClinGen allele CA7339704.
Genomic context (GRCh38, chr14:99,175,600, plus strand): 5'-GCAGAACTCGCACGACTTGCTCTTGGCTGGCGGCTGCGGGGGCGGCGTGCCGCCAGGGGG[C>T]ATGGGCGGCAGCGGCGGCGTGCTCAGGAACGGGGACTTGGGGCTGGGCTGGAAGGGGTTC-3'
Protein context (NP_612808.1, residues 402-422): PFLSTPPLPP[Met412Ile]PPGGTPPPQP

ClinVar aggregate classification (germline): Uncertain significance (1 of 4 stars; one submission).

Allele frequency attached by ClinVar (database versions not stated): ExAC 0.00001; gnomAD 0.00002; TOPMed 0.00003.
gnomAD v4.1: 8 of 1,570,826 alleles (0.00051%); highest among the groups gnomAD compares: African/African-American, 0.0097%; no homozygotes.

Submission:

Labcorp Genetics (formerly Invitae), Labcorp
Classification: Uncertain significance. Last evaluated: 2023-08-20. Review status: criteria provided, single submitter. Criteria: Invitae Variant Classification Sherloc (09022015). Collection method: clinical testing. Allele origin: germline.
Comment: This variant is present in population databases (rs767763874, gnomAD 0.02%). This sequence change replaces methionine, which is neutral and non-polar, with isoleucine, which is neutral and non-polar, at codon 412 of the BCL11B protein (p.Met412Ile). This variant has not been reported in the literature in individuals affected with BCL11B-related conditions. Advanced modeling of protein sequence and biophysical properties (such as structural, functional, and spatial information, amino acid conservation, physicochemical variation, residue mobility, and thermodynamic stability) performed at Invitae indicates that this missense variant is not expected to disrupt BCL11B protein function. In summary, the available evidence is currently insufficient to determine the role of this variant in disease. Therefore, it has been classified as a Variant of Uncertain Significance.